The following is an entry in ClinVar:

ClinVar aggregate classification (germline): Pathogenic. Review status: criteria provided, multiple submitters, no conflicts (2 of 4 stars). 6 submissions from 6 submitters: Pathogenic (6). Last evaluated 2026-05-30.

Conditions:
Neurofibromatosis, type 1 (NF1). Also called: VON RECKLINGHAUSEN DISEASE; NEUROFIBROMATOSIS, TYPE I, SOMATIC; Neurofibromatosis, type I; Peripheral type neurofibromatosis. Identifiers: Orphanet 636, MedGen C0027831, MONDO:0018975, OMIM 162200. Disease mechanism: loss of function.
Hereditary cancer-predisposing syndrome. Also called: Tumor predisposition; Hereditary Cancer Syndrome; Hereditary neoplastic syndrome; Neoplastic Syndromes, Hereditary. Identifiers: Orphanet 140162, MedGen C0027672, MeSH D009386, MONDO:0015356.
Cardiovascular phenotype. Identifiers: MedGen CN230736.

Submissions (6):

NHS Central & South Genomic Laboratory Hub
Classification: Pathogenic for Neurofibromatosis type 1. Last evaluated: 2026-05-30. Review status: criteria provided, single submitter. Criteria: ACMG Guidelines, 2015. Collection method: clinical testing. Allele origin: germline. Affected: yes.

Ambry Genetics
Classification: Pathogenic for Cardiovascular phenotype; Hereditary cancer-predisposing syndrome. Last evaluated: 2025-04-18. Review status: criteria provided, single submitter. Criteria: Ambry Variant Classification Scheme 2023. Collection method: clinical testing. Allele origin: germline.
Comment: The p.Q1742* pathogenic mutation (also known as c.5224C>T), located in coding exon 37 of the NF1 gene, results from a C to T substitution at nucleotide position 5224. This changes the amino acid from a glutamine to a stop codon within coding exon 37. This alteration is expected to result in loss of function by premature protein truncation or nonsense-mediated mRNA decay. As such, this alteration is interpreted as a disease-causing mutation.

Labcorp Genetics (formerly Invitae), Labcorp
Classification: Pathogenic for Neurofibromatosis, type 1. Last evaluated: 2024-10-02. Review status: criteria provided, single submitter. Criteria: Invitae Variant Classification Sherloc (09022015). Collection method: clinical testing. Allele origin: germline.
Comment: This sequence change creates a premature translational stop signal (p.Gln1742*) in the NF1 gene. It is expected to result in an absent or disrupted protein product. Loss-of-function variants in NF1 are known to be pathogenic (PMID: 10712197, 23913538). This variant is not present in population databases (gnomAD no frequency). This premature translational stop signal has been observed in individuals with neurofibromatosis type 1 (PMID: 11735023, 21354044). ClinVar contains an entry for this variant (Variation ID: 987429). For these reasons, this variant has been classified as Pathogenic.

Neuberg Centre For Genomic Medicine, NCGM
Classification: Pathogenic for Neurofibromatosis, type 1. Last evaluated: 2024-02-01. Review status: criteria provided, single submitter. Criteria: ACMG Guidelines, 2015. Collection method: clinical testing. Allele origin: germline. Inheritance: Autosomal dominant inheritance. Affected: yes.
Comment: The above variant has been reported previously in multiple individuals affected with neurofibromatosis (Valero MC, et al., 2011; Han SS, et al., 2001). It is also known as c.5224C>T(p.Gln1742Ter) in literature. This sequence change creates a premature translational stop signal in the NF1 gene. This variant is predicted to cause loss of normal protein function through protein truncation. Loss of function variants in NF1 gene have been previously reported to be disease causing (Valero MC, et al., 2011). For these reasons, this variant has been classified as Pathogenic.

Genome-Nilou Lab
Classification: Pathogenic for Neurofibromatosis, type 1. Last evaluated: 2022-03-15. Review status: criteria provided, single submitter. Criteria: ACMG Guidelines, 2015. Collection method: clinical testing. Allele origin: germline. Affected: no.

Institute of Medical Genetics and Applied Genomics, University Hospital Tübingen
Classification: Pathogenic. Last evaluated: 2020-10-23. Review status: criteria provided, single submitter. Criteria: ACMG Guidelines, 2015. Collection method: clinical testing. Allele origin: germline. Inheritance: Autosomal dominant inheritance. Affected: yes.

Literature cited by the submitters: PubMed 10712197 (cited by Labcorp Genetics (formerly Invitae), Labcorp); PubMed 23913538 (cited by Labcorp Genetics (formerly Invitae), Labcorp); PubMed 11735023 (cited by Labcorp Genetics (formerly Invitae), Labcorp); PubMed 21354044 (cited by Labcorp Genetics (formerly Invitae), Labcorp).

NM_001042492.3(NF1):c.5287C>T (p.Gln1763Ter)

Gene: NF1 (neurofibromin 1; plus strand). Cytogenetic location: 17q11.2.
Variant type: single nucleotide variant.
Coding change: c.5287C>T on transcript NM_001042492.3 (MANE Select); coding-DNA position 5287, C replaced by T.
Protein change: p.Gln1763Ter; replaces glutamine 1763 with a stop codon.
Molecular consequence: nonsense.
Genome position (GRCh38, 1-based): chr17:31,327,517, C>T. VCF-style: chr17-31327517-C-T. GRCh37 (hg19) VCF-style: chr17-29654535-C-T.
Other names: c.5224C>T, p.Gln1742Ter (NM_000267.4); short protein forms Q1742*, Q1763*.
Identifiers: ClinVar variation 987429 (VCV000987429.11), dbSNP rs2069375606, ClinGen allele CA399008947.